The following is an entry in ClinVar:

ClinVar aggregate classification (germline): Uncertain significance (1 of 4 stars; one submission).

Allele frequency attached by ClinVar (database versions not stated): gnomAD 0.00001; gnomAD exomes 0.00002; ExAC 0.00003.
gnomAD v4.1: 36 of 1,593,244 alleles (0.0023%); highest among the groups gnomAD compares: South Asian, 0.035%; no homozygotes.

Submission:

Labcorp Genetics (formerly Invitae), Labcorp
Classification: Uncertain significance. Last evaluated: 2022-03-04. Review status: criteria provided, single submitter. Criteria: Invitae Variant Classification Sherloc (09022015). Collection method: clinical testing. Allele origin: germline.
Comment: This sequence change replaces proline, which is neutral and non-polar, with leucine, which is neutral and non-polar, at codon 965 of the TUBGCP6 protein (p.Pro965Leu). This variant is present in population databases (rs768081474, gnomAD 0.03%). This variant has not been reported in the literature in individuals affected with TUBGCP6-related conditions. Algorithms developed to predict the effect of missense changes on protein structure and function output the following: SIFT: "Deleterious"; PolyPhen-2: "Benign"; Align-GVGD: "Class C0". The leucine amino acid residue is found in multiple mammalian species, which suggests that this missense change does not adversely affect protein function. In summary, the available evidence is currently insufficient to determine the role of this variant in disease. Therefore, it has been classified as a Variant of Uncertain Significance.

NM_020461.4(TUBGCP6):c.2894C>T (p.Pro965Leu)

Gene: TUBGCP6 (tubulin gamma complex component 6; minus strand). Cytogenetic location: 22q13.33.
Variant type: single nucleotide variant.
Coding change: c.2894C>T on transcript NM_020461.4 (MANE Select); coding-DNA position 2894, C replaced by T.
Protein change: p.Pro965Leu; replaces proline 965 with leucine.
Molecular consequence: missense variant.
Genome position (GRCh38, 1-based): chr22:50,221,465, G>A on the plus strand (C>T on the coding strand, the complement: TUBGCP6 is on the minus strand). VCF-style: chr22-50221465-G-A. GRCh37 (hg19) VCF-style: chr22-50659894-G-A.
Other names: short protein forms P965L.
Identifiers: ClinVar variation 2046932 (VCV002046932.1), dbSNP rs768081474, ClinGen allele CA10308093.